The following is an entry in ClinVar:

NC_000003.11:g.(?_196210621)_(196215574_?)del

Gene: RNF168 (ring finger protein 168; minus strand). Cytogenetic location: 3q29.
Variant type: Deletion.
Identifiers: ClinVar variation 2427399 (VCV002427399.3).

ClinVar aggregate classification (germline): Pathogenic (1 of 4 stars; one submission).

Submission:

Labcorp Genetics (formerly Invitae), Labcorp
Classification: Pathogenic. Last evaluated: 2022-05-12. Review status: criteria provided, single submitter. Criteria: Invitae Variant Classification Sherloc (09022015). Collection method: clinical testing. Allele origin: germline.
Comment: This variant is a gross deletion of the genomic region encompassing exon(s) 2-4 of the RNF168 gene. This deletion is out-of-frame, and is expected to create a premature termination codon and result in an absent or disrupted protein product. Loss-of-function variants in RNF168 are known to be pathogenic (PMID: 19203578, 21394101). This variant has not been reported in the literature in individuals affected with RNF168-related conditions. For these reasons, this variant has been classified as Pathogenic.

Literature cited by the submitters: PubMed 19203578; PubMed 21394101.